The following is an entry in ClinVar:

ClinVar aggregate classification (germline): Uncertain significance. Review status: criteria provided, multiple submitters, no conflicts (2 of 4 stars). 2 submissions from 2 submitters: Uncertain significance (2). Last evaluated 2023-12-21.

Conditions:
Inborn genetic diseases. Identifiers: MedGen C0950123, MeSH D030342.
Immunodeficiency 104. Also called: Severe combined immunodeficiency, autosomal recessive, T cell-negative, B cell-positive, NK cell-positive; SCID, AUTOSOMAL RECESSIVE, T CELL-NEGATIVE, B CELL-POSITIVE, NK CELL-POSITIVE; Severe Combined Immune Deficiency, Autosomal Recessive, TCell -Negative, B Cell-Positive, NK Cell-Positive, IL7R-Related; IMMUNODEFICIENCY 104, SEVERE COMBINED. Identifiers: MedGen C5676890, MONDO:0012163, OMIM 608971.

Allele frequency attached by ClinVar (database versions not stated): ExAC 0.00001; gnomAD 0.00003; TOPMed 0.00003.
gnomAD v4.1: 71 of 1,612,388 alleles (0.0044%); highest among the groups gnomAD compares: Non-Finnish European, 0.0054%; no homozygotes.

Submissions (2):

Ambry Genetics
Classification: Uncertain significance for Inborn genetic diseases. Last evaluated: 2023-12-21. Review status: criteria provided, single submitter. Criteria: Ambry Variant Classification Scheme 2023. Collection method: clinical testing. Allele origin: germline.

Labcorp Genetics (formerly Invitae), Labcorp
Classification: Uncertain significance for Immunodeficiency 104. Last evaluated: 2022-06-01. Review status: criteria provided, single submitter. Criteria: Invitae Variant Classification Sherloc (09022015). Collection method: clinical testing. Allele origin: germline.
Comment: This sequence change replaces valine, which is neutral and non-polar, with leucine, which is neutral and non-polar, at codon 1117 of the PTPRC protein (p.Val1117Leu). This variant is present in population databases (rs748041124, gnomAD 0.003%). This variant has not been reported in the literature in individuals affected with PTPRC-related conditions. Algorithms developed to predict the effect of missense changes on protein structure and function output the following: SIFT: "Tolerated"; PolyPhen-2: "Possibly Damaging"; Align-GVGD: "Class C0". The leucine amino acid residue is found in multiple mammalian species, which suggests that this missense change does not adversely affect protein function. In summary, the available evidence is currently insufficient to determine the role of this variant in disease. Therefore, it has been classified as a Variant of Uncertain Significance.

NM_002838.5(PTPRC):c.3349G>C (p.Val1117Leu)

Gene: PTPRC (protein tyrosine phosphatase receptor type C; plus strand). Cytogenetic location: 1q32.1.
Variant type: single nucleotide variant.
Coding change: c.3349G>C on transcript NM_002838.5 (MANE Select); coding-DNA position 3349, G replaced by C.
Protein change: p.Val1117Leu; replaces valine 1117 with leucine.
Molecular consequence: missense variant.
Genome position (GRCh38, 1-based): chr1:198,752,612, G>C. VCF-style: chr1-198752612-G-C. GRCh37 (hg19) VCF-style: chr1-198721741-G-C.
Other names: c.3343G>C (NM_002838.3); c.2866G>C, p.Val956Leu (NM_080921.4); short protein forms V956L, V1117L.
Identifiers: ClinVar variation 2194958 (VCV002194958.2), dbSNP rs748041124, ClinGen allele CA1315429.
Genomic context (GRCh38, chr1:198,752,612, plus strand): 5'-GAACTTCACTCCAGTTAATGCTCTCTTCAATTCTGATTTTAGAGGAAAGACTCTCGAACT[G>C]TGTACCAGTACCAATATACAAACTGGAGTGTGGAGCAGCTTCCTGCAGAACCCAAGGAAT-3'
Protein context (NP_002829.3, residues 1107-1127): RHSKRKDSRT[Val1117Leu]YQYQYTNWSV